The following is an entry in ClinVar:

ClinVar aggregate classification (germline): Uncertain significance. Review status: criteria provided, multiple submitters, no conflicts (2 of 4 stars). 2 submissions from 2 submitters: Uncertain significance (2). Last evaluated 2025-10-08.

Conditions:
Bethlem myopathy 1A. Also called: MYOPATHY, BENIGN CONGENITAL, WITH CONTRACTURES; Bethlem Muscular Dystrophy; Bethlem myopathy 1. Identifiers: Orphanet 610, MedGen CN029274, MONDO:0024530, OMIM 158810.

gnomAD v4.1: 2 of 1,595,384 alleles (0.00013%); highest among the groups gnomAD compares: African/African-American, 0.0027%; no homozygotes.

Submissions (2):

Labcorp Genetics (formerly Invitae), Labcorp
Classification: Uncertain significance for Bethlem myopathy 1A. Last evaluated: 2025-10-08. Review status: criteria provided, single submitter. Criteria: Invitae Variant Classification Sherloc (09022015). Collection method: clinical testing. Allele origin: germline.
Comment: This sequence change replaces aspartic acid, which is acidic and polar, with histidine, which is basic and polar, at codon 869 of the COL6A2 protein (p.Asp869His). This variant is present in population databases (no rsID available, gnomAD 0.01%). This variant has not been reported in the literature in individuals affected with COL6A2-related conditions. Invitae Evidence Modeling of protein sequence and biophysical properties (such as structural, functional, and spatial information, amino acid conservation, physicochemical variation, residue mobility, and thermodynamic stability) indicates that this missense variant is not expected to disrupt COL6A2 protein function with a negative predictive value of 80%. In summary, the available evidence is currently insufficient to determine the role of this variant in disease. Therefore, it has been classified as a Variant of Uncertain Significance.

GeneDx
Classification: Uncertain significance. Last evaluated: 2025-05-21. Review status: criteria provided, single submitter. Criteria: GeneDx Variant Classification Process June 2021. Collection method: clinical testing. Allele origin: germline. Affected: yes.
Comment: Not observed at significant frequency in large population cohorts (gnomAD); In silico analysis suggests that this missense variant does not alter protein structure/function; Has not been previously published as pathogenic or benign to our knowledge

NM_001849.4(COL6A2):c.2605G>C (p.Asp869His)

Gene: COL6A2 (collagen type VI alpha 2 chain; plus strand). Cytogenetic location: 21q22.3.
Variant type: single nucleotide variant.
Coding change: c.2605G>C on transcript NM_001849.4 (MANE Select); coding-DNA position 2605, G replaced by C.
Protein change: p.Asp869His; replaces aspartic acid 869 with histidine.
Molecular consequence: missense variant.
Genome position (GRCh38, 1-based): chr21:46,132,097, G>C. VCF-style: chr21-46132097-G-C. GRCh37 (hg19) VCF-style: chr21-47552011-G-C.
Other names: short protein forms D869H.
Identifiers: ClinVar variation 4530990 (VCV004530990.2).